The following is an entry in ClinVar:

ClinVar aggregate classification (germline): Pathogenic (1 of 4 stars; one submission).

Conditions:
Congenital adrenal hyperplasia. Identifiers: Orphanet 418, MedGen C0001627, MONDO:0018479, HP:0008258.

Submission:

Women's Health and Genetics/Laboratory Corporation of America, LabCorp
Classification: Pathogenic for Congenital adrenal hyperplasia. Last evaluated: 2024-02-21. Review status: criteria provided, single submitter. Criteria: LabCorp Variant Classification Summary - May 2015. Collection method: clinical testing. Allele origin: germline.
Comment: Variant summary: The variant involves the deletion of exon 1 in the CYP21A2 gene. The exact breakpoint at the 5' end of this variant is unknown, therefore this deletion may extend upstream of the annotated region of this gene. Although the exact breakpoints of this deletion are not known, it is predicted to remove the initiation codon and result in an absence of protein or a truncation of the encoded protein due to translation initiation at a downstream site that is located in exon 2 p.Met82. A presumed nomenclature of c.(?_-9)_(202+1_203-1)del has been designated for the purposes of this classification. The variant was absent in 1410052 control chromosomes (gnomAD structural variants dataset). Similar deletion has been reported in the literature in at-least one individual affected with nonclassical adrenal hyperplasia (example: Wan_2023). The following publication has been ascertained in the context of this evaluation (PMID: 36167262). No submitters have cited clinical-significance assessments for this variant to ClinVar. Based on the evidence outlined above, the variant was classified as pathogenic.

Literature cited by the submitters: PubMed 36167262.

NC_000006.11:g.(?_32006191)_(32006402_32006498)del

Gene: CYP21A2 (cytochrome P450 family 21 subfamily A member 2; plus strand). Cytogenetic location: 6p21.33.
Variant type: Deletion.
Identifiers: ClinVar variation 3068886 (VCV003068886.1).